The following is an entry in ClinVar:

ClinVar aggregate classification (germline): Uncertain significance (1 of 4 stars; one submission).

Conditions:
Pheochromocytoma. Also called: MAX-Related Hereditary Paraganglioma-Pheochromocytoma Syndrome. Identifiers: Orphanet 29072, MedGen C0031511, MONDO:0008233, OMIM 171300, HP:0002666.
Gastrointestinal stromal tumor. Also called: Gastrointestinal stromal tumor, somatic; Gastrointestinal stroma tumor. Identifiers: Orphanet 44890, MedGen C0238198, MeSH D046152, MONDO:0011719, OMIM 606764, HP:0100723.
Pheochromocytoma/paraganglioma syndrome 4. Also called: CAROTID BODY TUMORS AND MULTIPLE EXTRAADRENAL PHEOCHROMOCYTOMAS; PARAGANGLIOMA, FAMILIAL MALIGNANT; PARAGANGLIOMAS, HEREDITARY EXTRAADRENAL; PHEOCHROMOCYTOMA, FAMILIAL EXTRAADRENAL; Paragangliomas 4; SDHB-Related Hereditary Paraganglioma-Pheochromocytoma Syndrome (Paragangliomas 4). Identifiers: Orphanet 29072, MedGen C1861848, MONDO:0007273, OMIM 115310.

Submission:

Labcorp Genetics (formerly Invitae), Labcorp
Classification: Uncertain significance for Gastrointestinal stromal tumor; Pheochromocytoma/paraganglioma syndrome 4; Pheochromocytoma. Last evaluated: 2022-11-05. Review status: criteria provided, single submitter. Criteria: Invitae Variant Classification Sherloc (09022015). Collection method: clinical testing. Allele origin: germline.
Comment: This variant disrupts the p.Cys253 amino acid residue in SDHB. Other variant(s) that disrupt this residue have been determined to be pathogenic (PMID: 17652212, 19454582, 19763184, 26960314). This suggests that this residue is clinically significant, and that variants that disrupt this residue are likely to be disease-causing. In summary, the available evidence is currently insufficient to determine the role of this variant in disease. Therefore, it has been classified as a Variant of Uncertain Significance. Advanced modeling of protein sequence and biophysical properties (such as structural, functional, and spatial information, amino acid conservation, physicochemical variation, residue mobility, and thermodynamic stability) performed at Invitae indicates that this missense variant is expected to disrupt SDHB protein function. This missense change has been observed in individual(s) with paraganglioma-pheochromocytoma syndrome (Invitae). This variant is not present in population databases (gnomAD no frequency). This sequence change replaces cysteine, which is neutral and slightly polar, with arginine, which is basic and polar, at codon 253 of the SDHB protein (p.Cys253Arg).

Literature cited by the submitters: PubMed 17652212; PubMed 19454582; PubMed 19763184; PubMed 26960314.

NM_003000.3(SDHB):c.757T>C (p.Cys253Arg)

Gene: SDHB (succinate dehydrogenase complex iron sulfur subunit B; minus strand). Cytogenetic location: 1p36.13.
Variant type: single nucleotide variant.
Coding change: c.757T>C on transcript NM_003000.3 (MANE Select); coding-DNA position 757, T replaced by C.
Protein change: p.Cys253Arg; replaces cysteine 253 with arginine.
Molecular consequence: missense variant.
Genome position (GRCh38, 1-based): chr1:17,022,616, A>G on the plus strand (T>C on the coding strand, the complement: SDHB is on the minus strand). VCF-style: chr1-17022616-A-G. GRCh37 (hg19) VCF-style: chr1-17349111-A-G.
Other names: c.703T>C, p.Cys235Arg (NM_001407361.1); short protein forms C235R, C253R.
Identifiers: ClinVar variation 2941318 (VCV002941318.3), dbSNP rs2525003728, ClinGen allele CA338269992.